The following is an entry in ClinVar:

NM_001025603.2(RFX5):c.1379G>T (p.Ser460Ile)

Gene: RFX5 (regulatory factor X5; minus strand). Cytogenetic location: 1q21.3.
Variant type: single nucleotide variant.
Coding change: c.1379G>T on transcript NM_001025603.2 (MANE Select); coding-DNA position 1379, G replaced by T.
Protein change: p.Ser460Ile; replaces serine 460 with isoleucine.
Molecular consequence: missense variant.
Genome position (GRCh38, 1-based): chr1:151,342,658, C>A on the plus strand (G>T on the coding strand, the complement: RFX5 is on the minus strand). VCF-style: chr1-151342658-C-A. GRCh37 (hg19) VCF-style: chr1-151315134-C-A.
Other names: c.1379G>T, p.Ser460Ile (NM_000449.4, NM_001379412.1, NM_001379413.1 and 5 more transcripts); c.1259G>T, p.Ser420Ile (NM_001379419.1, NM_001379420.1); short protein forms S420I, S460I.
Identifiers: ClinVar variation 1914428 (VCV001914428.4), dbSNP rs142053610, ClinGen allele CA341926968.

ClinVar aggregate classification (germline): Uncertain significance (1 of 4 stars; one submission).

Conditions:
MHC class II deficiency. Also called: Bare lymphocyte syndrome 2; BLS, TYPE II. Identifiers: Orphanet 572, MedGen C5447452, MONDO:0008855.

Submission:

Labcorp Genetics (formerly Invitae), Labcorp
Classification: Uncertain significance for MHC class II deficiency. Last evaluated: 2022-04-24. Review status: criteria provided, single submitter. Criteria: Invitae Variant Classification Sherloc (09022015). Collection method: clinical testing. Allele origin: germline.
Comment: In summary, the available evidence is currently insufficient to determine the role of this variant in disease. Therefore, it has been classified as a Variant of Uncertain Significance. Algorithms developed to predict the effect of missense changes on protein structure and function output the following: SIFT: "Tolerated"; PolyPhen-2: "Benign"; Align-GVGD: "Class C0". The isoleucine amino acid residue is found in multiple mammalian species, which suggests that this missense change does not adversely affect protein function. This variant has not been reported in the literature in individuals affected with RFX5-related conditions. This variant is not present in population databases (gnomAD no frequency). This sequence change replaces serine, which is neutral and polar, with isoleucine, which is neutral and non-polar, at codon 460 of the RFX5 protein (p.Ser460Ile).